The following is an entry in ClinVar:

ClinVar aggregate classification (germline): Likely benign (1 of 4 stars; one submission).

Conditions:
Coffin-Siris syndrome 1 (CSS1). Also called: Mental retardation, autosomal dominant 12; ARID1B-Related Coffin-Siris Syndrome. Identifiers: Orphanet 1465, MedGen C3281201, MONDO:0007617, OMIM 135900. Disease mechanism: gain of function.

Submission:

Centre for Medical Genetics,  Mumbai
Classification: Likely benign for Coffin-Siris syndrome 1. Last evaluated: 2026-02-18. Review status: criteria provided, single submitter. Criteria: ACMG Guidelines, 2015. Collection method: provider interpretation. Allele origin: germline. Inheritance: Autosomal dominant inheritance. Affected: no. Observed: 1 heterozygote.
Comment: The variant satisfies PM2 criteria; Extremely low frequency in gnomAD population databases. The variant satisfies BP4 criteria; For a missense or a splice region variant, computational prediction tools unanimously support a benign effect on the gene. However, the variant satisfies BS2 criteria.

Literature cited by the submitters: PubMed 22405089.

NM_001374828.1(ARID1B):c.967G>A (p.Ala323Thr)

Gene: ARID1B (AT-rich interaction domain 1B; plus strand). Cytogenetic location: 6q25.3.
Variant type: single nucleotide variant.
Coding change: c.967G>A on transcript NM_001374828.1 (MANE Select); coding-DNA position 967, G replaced by A.
Protein change: p.Ala323Thr; replaces alanine 323 with threonine.
Molecular consequence: missense variant.
Genome position (GRCh38, 1-based): chr6:156,778,647, G>A. VCF-style: chr6-156778647-G-A. GRCh37 (hg19) VCF-style: chr6-157099781-G-A.
Other names: c.967G>A, p.Ala323Thr (NM_001371656.1, NM_001374820.1, NM_001438482.1 and 9 more transcripts); short protein forms A323T.
Identifiers: ClinVar variation 4795887 (VCV004795887.1).